The following is an entry in ClinVar:

ClinVar aggregate classification (germline): Conflicting classifications of pathogenicity. Review status: criteria provided, conflicting classifications (1 of 4 stars). 5 submissions from 5 submitters: Uncertain significance (3); Likely benign (1). 1 of the submissions does not count toward it. Last evaluated 2025-12-08.

Conditions:
LAMA4-related disorder. Also called: LAMA4-related condition.
Cardiovascular phenotype. Identifiers: MedGen CN230736.
Dilated cardiomyopathy 1JJ (CMD1JJ). Identifiers: Orphanet 154, MedGen C3808935, MONDO:0014095, OMIM 615235.

Allele frequency attached by ClinVar (database versions not stated): gnomAD exomes below 0.00001; ExAC 0.00001; gnomAD 0.00002; TOPMed 0.00002.
gnomAD v4.1: 5 of 1,613,284 alleles (0.00031%); highest among the groups gnomAD compares: Middle Eastern, 0.016%; no homozygotes.

Submissions (5):

Labcorp Genetics (formerly Invitae), Labcorp
Classification: Uncertain significance for Dilated cardiomyopathy 1JJ. Last evaluated: 2025-12-08. Review status: criteria provided, single submitter. Criteria: Invitae Variant Classification Sherloc (09022015). Collection method: clinical testing. Allele origin: germline.
Comment: This sequence change replaces alanine, which is neutral and non-polar, with threonine, which is neutral and polar, at codon 1180 of the LAMA4 protein (p.Ala1180Thr). This variant is present in population databases (rs781943786, gnomAD 0.004%). This variant has not been reported in the literature in individuals affected with LAMA4-related conditions. ClinVar contains an entry for this variant (Variation ID: 854453). An algorithm developed to predict the effect of missense changes on protein structure and function outputs the following: PolyPhen-2: "Benign". The threonine amino acid residue is found in multiple mammalian species, which suggests that this missense change does not adversely affect protein function. In summary, the available evidence is currently insufficient to determine the role of this variant in disease. Therefore, it has been classified as a Variant of Uncertain Significance.

Ambry Genetics
Classification: Likely benign for Cardiovascular phenotype. Last evaluated: 2022-10-17. Review status: criteria provided, single submitter. Criteria: Ambry Variant Classification Scheme 2023. Collection method: clinical testing. Allele origin: germline.

GeneDx
Classification: Uncertain significance. Last evaluated: 2022-10-06. Review status: criteria provided, single submitter. Criteria: GeneDx Variant Classification Process June 2021. Collection method: clinical testing. Allele origin: germline. Affected: yes.
Comment: Has not been previously published as pathogenic or benign to our knowledge; Not observed at significant frequency in large population cohorts (gnomAD); In silico analysis supports that this missense variant does not alter protein structure/function

Neuberg Centre For Genomic Medicine, NCGM
Classification: Uncertain significance for Dilated cardiomyopathy 1JJ. Review status: criteria provided, single submitter. Criteria: ACMG Guidelines, 2015. Collection method: clinical testing. Allele origin: germline. Inheritance: Autosomal dominant inheritance. Affected: yes.
Comment: The missense variant in c.3559G>A (p.Ala1187Thr) in LAMA4 gene has not been reported previously as a pathogenic variant nor as a benign variant, to our knowledge. The p.Ala1187Thr variant is reported with the allele frequency of 0.0007084% in gnomAD Exome and is novel (not in any individuals) in 1000 Genomes. This variant has been reported to the ClinVar database as Uncertain significance. The amino acid Ala at position 1187 is changed to a Thr changing protein sequence and it might alter its composition and physico-chemical properties. The amino acid change p.Ala1187Thr in LAMA4 is predicted as conserved by GERP++ and PhyloP across 100 vertebrates. For these reasons, this variant has been classified as uncertain significance.

PreventionGenetics, part of Exact Sciences
Classification: Uncertain significance for LAMA4-related condition. Last evaluated: 2024-01-10. Review status: no assertion criteria provided. Collection method: clinical testing. Allele origin: germline. Not counted in ClinVar's aggregate classification.
Comment: The LAMA4 c.3538G>A variant is predicted to result in the amino acid substitution p.Ala1180Thr. To our knowledge, this variant has not been reported in the literature. This variant is reported in 0.0040% of alleles in individuals of African descent in gnomAD. At this time, the clinical significance of this variant is uncertain due to the absence of conclusive functional and genetic evidence.

NM_001105206.3(LAMA4):c.3559G>A (p.Ala1187Thr)

Gene: LAMA4 (laminin subunit alpha 4; minus strand). Cytogenetic location: 6q21.
Variant type: single nucleotide variant.
Coding change: c.3559G>A on transcript NM_001105206.3 (MANE Select); coding-DNA position 3559, G replaced by A.
Protein change: p.Ala1187Thr; replaces alanine 1187 with threonine.
Molecular consequence: missense variant.
Genome position (GRCh38, 1-based): chr6:112,133,486, C>T on the plus strand (G>A on the coding strand, the complement: LAMA4 is on the minus strand). VCF-style: chr6-112133486-C-T. GRCh37 (hg19) VCF-style: chr6-112454688-C-T.
Other names: c.3538G>A, p.Ala1180Thr (NM_001105207.3, NM_002290.5); short protein forms A1180T, A1187T.
Identifiers: ClinVar variation 854453 (VCV000854453.17), dbSNP rs781943786, ClinGen allele CA3965173.